The following is an entry in ClinVar:

NM_177438.3(DICER1):c.5527+10G>A

Gene: DICER1 (dicer 1, ribonuclease III; minus strand). Cytogenetic location: 14q32.13.
Variant type: single nucleotide variant.
Coding change: c.5527+10G>A on transcript NM_177438.3 (MANE Select); 10 bases into the intron after coding-DNA position 5527, G replaced by A.
Molecular consequence: intron variant.
Genome position (GRCh38, 1-based): chr14:95,091,193, C>T on the plus strand (G>A on the coding strand, the complement: DICER1 is on the minus strand). VCF-style: chr14-95091193-C-T. GRCh37 (hg19) VCF-style: chr14-95557530-C-T.
Other names: c.5527+10G>A (NM_001291628.2, NM_030621.4, NM_001395677.1 and 7 more transcripts); c.5122+10G>A (NM_001395690.1, NM_001395687.1, NM_001395689.1 and 1 more transcripts); c.5245+10G>A (NM_001395686.1); c.4960+10G>A (NM_001395691.1); c.3844+10G>A (NM_001395697.1); c.5365-84G>A (NM_001195573.1).
Identifiers: ClinVar variation 2053648 (VCV002053648.5), dbSNP rs764254400, ClinGen allele CA7330649.

ClinVar aggregate classification (germline): Likely benign. Review status: criteria provided, multiple submitters, no conflicts (2 of 4 stars). 2 submissions from 2 submitters: Likely benign (2). Last evaluated 2026-04-14.

Conditions:
DICER1-related tumor predisposition. Also called: DICER1 syndrome; DICER1-related pleuropulmonary blastoma cancer predisposition syndrome. Identifiers: Orphanet 284343, MedGen C3839822, MONDO:0100216.

Allele frequency attached by ClinVar (database versions not stated): ExAC 0.00001.
gnomAD v4.1: 3 of 1,614,068 alleles (0.00019%); highest among the groups gnomAD compares: South Asian, 0.0011%; no homozygotes.

Submissions (2):

Myriad Genetics, Inc.
Classification: Likely benign for DICER1-related tumor predisposition. Last evaluated: 2026-04-14. Review status: criteria provided, single submitter. Criteria: Myriad Autosomal Dominant, Autosomal Recessive and X-Linked Classification Criteria (2023). Collection method: clinical testing. Allele origin: unknown.
Comment: This variant is considered likely benign. This variant is intronic and is not expected to impact mRNA splicing.

Labcorp Genetics (formerly Invitae), Labcorp
Classification: Likely benign for DICER1-related tumor predisposition. Last evaluated: 2021-12-22. Review status: criteria provided, single submitter. Criteria: Invitae Variant Classification Sherloc (09022015). Collection method: clinical testing. Allele origin: germline.